The following is an entry in ClinVar:

NM_001447.3(FAT2):c.8920C>T (p.Arg2974Cys)

Genes: FAT2 (FAT atypical cadherin 2; minus strand), SLC36A1 (solute carrier family 36 member 1; plus strand). Cytogenetic location: 5q33.1.
Variant type: single nucleotide variant.
Coding change: c.8920C>T on transcript NM_001447.3 (MANE Select); coding-DNA position 8920, C replaced by T.
Protein change: p.Arg2974Cys; replaces arginine 2974 with cysteine.
Molecular consequence: missense variant.
Genome position (GRCh38, 1-based): chr5:151,540,686, G>A on the plus strand (C>T on the coding strand, the complement: FAT2 is on the minus strand). VCF-style: chr5-151540686-G-A. GRCh37 (hg19) VCF-style: chr5-150920247-G-A.
Other names: c.8920C>T (NM_001447.2); short protein forms R2974C.
Identifiers: ClinVar variation 2190961 (VCV002190961.7), dbSNP rs201177490, ClinGen allele CA3520708.

ClinVar aggregate classification (germline): Uncertain significance. Review status: criteria provided, multiple submitters, no conflicts (2 of 4 stars). 2 submissions from 2 submitters: Uncertain significance (2). Last evaluated 2025-08-18.

Allele frequency attached by ClinVar (database versions not stated): gnomAD exomes 0.00003; gnomAD 0.00004; TOPMed 0.00006.
gnomAD v4.1: 48 of 1,614,046 alleles (0.003%); highest among the groups gnomAD compares: African/African-American, 0.008%; no homozygotes.

Submissions (2):

Labcorp Genetics (formerly Invitae), Labcorp
Classification: Uncertain significance. Last evaluated: 2025-08-18. Review status: criteria provided, single submitter. Criteria: Invitae Variant Classification Sherloc (09022015). Collection method: clinical testing. Allele origin: germline.
Comment: This sequence change replaces arginine, which is basic and polar, with cysteine, which is neutral and slightly polar, at codon 2974 of the FAT2 protein (p.Arg2974Cys). This variant is present in population databases (rs201177490, gnomAD 0.006%). This variant has not been reported in the literature in individuals affected with FAT2-related conditions. ClinVar contains an entry for this variant (Variation ID: 2190961). Invitae Evidence Modeling of protein sequence and biophysical properties (such as structural, functional, and spatial information, amino acid conservation, physicochemical variation, residue mobility, and thermodynamic stability) indicates that this missense variant is not expected to disrupt FAT2 protein function with a negative predictive value of 80%. In summary, the available evidence is currently insufficient to determine the role of this variant in disease. Therefore, it has been classified as a Variant of Uncertain Significance.

Ambry Genetics
Classification: Uncertain significance. Last evaluated: 2025-05-05. Review status: criteria provided, single submitter. Criteria: Ambry Variant Classification Scheme 2023. Collection method: clinical testing. Allele origin: germline.